The following is an entry in ClinVar:

ClinVar aggregate classification (germline): Likely benign. Review status: criteria provided, multiple submitters, no conflicts (2 of 4 stars). 4 submissions from 4 submitters: Likely benign (3). 1 of the submissions does not count toward it. Last evaluated 2025-07-13.

Conditions:
NDUFA10-related disorder. Also called: NDUFA10-related condition.

Allele frequency attached by ClinVar (database versions not stated): gnomAD exomes 0.00005 and 0.00017; ExAC 0.00010; gnomAD 0.00023 and 0.00024; TOPMed 0.00025; 1000 Genomes Project 0.00040; 1000 Genomes Project 30x 0.00062.
gnomAD v4.1: 116 of 1,614,156 alleles (0.0072%); highest among the groups gnomAD compares: Admixed American, 0.12%; no homozygotes.

Submissions (4):

Labcorp Genetics (formerly Invitae), Labcorp
Classification: Likely benign. Last evaluated: 2025-07-13. Review status: criteria provided, single submitter. Criteria: Invitae Variant Classification Sherloc (09022015). Collection method: clinical testing. Allele origin: germline.

CeGaT Center for Human Genetics Tuebingen
Classification: Likely benign. Last evaluated: 2024-07-01. Review status: criteria provided, single submitter. Criteria: CeGaT Center For Human Genetics Tuebingen Variant Classification Criteria Version 2. Collection method: clinical testing. Allele origin: germline. Affected: yes. Observed: 1 variant allele.
Comment: NDUFA10: BP4, BP7

Breakthrough Genomics
Classification: Likely benign. Review status: criteria provided, single submitter. Criteria: ACMG Guidelines, 2015. Collection method: not provided. Allele origin: germline. Inheritance: Autosomal recessive inheritance. Affected: yes.

PreventionGenetics, part of Exact Sciences
Classification: Likely benign for NDUFA10-related condition. Last evaluated: 2020-03-12. Review status: no assertion criteria provided. Collection method: clinical testing. Allele origin: germline. Not counted in ClinVar's aggregate classification.
Comment: This variant is classified as likely benign based on ACMG/AMP sequence variant interpretation guidelines (Richards et al. 2015 PMID: 25741868, with internal and published modifications).

NM_004544.4(NDUFA10):c.147A>G (p.Ala49=)

Gene: NDUFA10 (NADH:ubiquinone oxidoreductase subunit A10; minus strand). Cytogenetic location: 2q37.3.
Variant type: single nucleotide variant.
Coding change: c.147A>G on transcript NM_004544.4 (MANE Select); coding-DNA position 147, A replaced by G.
Protein change: p.Ala49=; no amino-acid change (alanine 49 retained).
Molecular consequence: synonymous variant. On other transcripts: non-coding transcript variant (3).
Genome position (GRCh38, 1-based): chr2:240,022,269, T>C on the plus strand (A>G on the coding strand, the complement: NDUFA10 is on the minus strand). VCF-style: chr2-240022269-T-C. GRCh37 (hg19) VCF-style: chr2-240961686-T-C.
Other names: c.147A>G, p.Ala49= (NM_001322019.2, NM_001322020.2).
Identifiers: ClinVar variation 729013 (VCV000729013.28), dbSNP rs200830660, ClinGen allele CA2201140.